The following is an entry in ClinVar:

NC_000012.11:g.(88465704_88470998)_(88471696_88472868)del

Gene: CEP290 (centrosomal protein 290; minus strand). Cytogenetic location: 12q21.32.
Variant type: Deletion.
Identifiers: ClinVar variation 3375008 (VCV003375008.1).

ClinVar aggregate classification (germline): Uncertain significance (1 of 4 stars; one submission).

Submission:

Women's Health and Genetics/Laboratory Corporation of America, LabCorp
Classification: Uncertain significance. Last evaluated: 2024-09-06. Review status: criteria provided, single submitter. Criteria: LabCorp Variant Classification Summary - May 2015. Collection method: clinical testing. Allele origin: germline.
Comment: Variant summary: The variant involves the deletion of exons 40-41 in the CEP290 gene. A presumed nomenclature of c.(5364+1_5365-1)_(5709+1_5710-1)del has been designated for the purposes of this classification. This Copy Number Variant (CNV) is predicted to result in an in-frame deletion within this gene. The variant was absent in 21694 control chromosomes in the gnomAD database (Structural Variants v2.1 dataset). The available data on variant occurrences in the general population are insufficient to allow any conclusion about variant significance. A variant, described as deletion of exon 41 and 42 (~5.6 kb deletion), has been reported in the literature in an individual affected with Leber congenital amaurosis (LCA), who carried a pathogenic variant on the other allele (Xu_2020). To our knowledge, no experimental evidence demonstrating an impact on protein function has been reported. The following publication have been ascertained in the context of this evaluation (PMID: 31630094). No submitters have cited clinical-significance assessments for this variant to ClinVar. Based on the evidence outlined above, the variant was classified as VUS-possibly pathogenic.

Literature cited by the submitters: PubMed 31630094.